The following is an entry in ClinVar:

NM_004360.5(CDH1):c.849G>C (p.Glu283Asp)

Gene: CDH1 (cadherin 1; plus strand). Cytogenetic location: 16q22.1.
Variant type: single nucleotide variant.
Coding change: c.849G>C on transcript NM_004360.5 (MANE Select); coding-DNA position 849, G replaced by C.
Protein change: p.Glu283Asp; replaces glutamic acid 283 with aspartic acid.
Molecular consequence: missense variant. On other transcripts: 5 prime UTR variant (2).
Genome position (GRCh38, 1-based): chr16:68,811,700, G>C. VCF-style: chr16-68811700-G-C. GRCh37 (hg19) VCF-style: chr16-68845603-G-C.
Other names: c.849G>C, p.Glu283Asp (NM_001317184.2); c.-767G>C (NM_001317185.2); c.-971G>C (NM_001317186.2); c.849G>C (NM_004360.3); short protein forms E283D.
Identifiers: ClinVar variation 1447709 (VCV001447709.10), dbSNP rs2152131901, ClinGen allele CA396459570.

ClinVar aggregate classification (germline): Conflicting classifications of pathogenicity. Review status: criteria provided, conflicting classifications (1 of 4 stars). 2 submissions from 2 submitters: Uncertain significance (1); Likely benign (1). Last evaluated 2026-05-11.

Conditions:
Hereditary cancer-predisposing syndrome. Also called: Tumor predisposition; Neoplastic Syndromes, Hereditary; Hereditary Cancer Syndrome; Hereditary neoplastic syndrome. Identifiers: Orphanet 140162, MedGen C0027672, MeSH D009386, MONDO:0015356.
Hereditary diffuse gastric adenocarcinoma (HDGC). Also called: DIFFUSE GASTRIC AND LOBULAR BREAST CANCER SYNDROME. Identifiers: Orphanet 26106, MedGen C1708349, MONDO:0007648, OMIM 137215.

Submissions (2):

Ambry Genetics
Classification: Likely benign for Hereditary cancer-predisposing syndrome. Last evaluated: 2026-05-11. Review status: criteria provided, single submitter. Criteria: Ambry Variant Classification Scheme 2023. Collection method: clinical testing. Allele origin: germline.

Labcorp Genetics (formerly Invitae), Labcorp
Classification: Uncertain significance for Hereditary diffuse gastric adenocarcinoma. Last evaluated: 2021-05-04. Review status: criteria provided, single submitter. Criteria: Invitae Variant Classification Sherloc (09022015). Collection method: clinical testing. Allele origin: germline.
Comment: This variant is not present in population databases (ExAC no frequency). In summary, the available evidence is currently insufficient to determine the role of this variant in disease. Therefore, it has been classified as a Variant of Uncertain Significance. Algorithms developed to predict the effect of missense changes on protein structure and function (SIFT, PolyPhen-2, Align-GVGD) all suggest that this variant is likely to be tolerated, but these predictions have not been confirmed by published functional studies and their clinical significance is uncertain. This variant has not been reported in the literature in individuals with CDH1-related conditions. This sequence change replaces glutamic acid with aspartic acid at codon 283 of the CDH1 protein (p.Glu283Asp). The glutamic acid residue is weakly conserved and there is a small physicochemical difference between glutamic acid and aspartic acid.